The following is an entry in ClinVar:

NM_004380.3(CREBBP):c.5323T>C (p.Cys1775Arg)

Gene: CREBBP (CREB binding protein; minus strand). Cytogenetic location: 16p13.3.
Variant type: single nucleotide variant.
Coding change: c.5323T>C on transcript NM_004380.3 (MANE Select); coding-DNA position 5323, T replaced by C.
Protein change: p.Cys1775Arg; replaces cysteine 1775 with arginine.
Molecular consequence: missense variant.
Genome position (GRCh38, 1-based): chr16:3,729,724, A>G on the plus strand (T>C on the coding strand, the complement: CREBBP is on the minus strand). VCF-style: chr16-3729724-A-G. GRCh37 (hg19) VCF-style: chr16-3779725-A-G.
Other names: c.5209T>C, p.Cys1737Arg (NM_001079846.1); short protein forms C1775R, C1737R.
Identifiers: ClinVar variation 393129 (VCV000393129.4), dbSNP rs1057524802, ClinGen allele CA16607414.

ClinVar aggregate classification (germline): Conflicting classifications of pathogenicity. Review status: criteria provided, conflicting classifications (1 of 4 stars). 3 submissions from 3 submitters: Likely pathogenic (2); Uncertain significance (1). Last evaluated 2024-07-31.

Conditions:
Inborn genetic diseases. Identifiers: MedGen C0950123, MeSH D030342.
Menke-Hennekam syndrome 1 (MKHK1). Identifiers: MedGen C5193034, MONDO:0020763, OMIM 618332.

Submissions (3):

Ambry Genetics
Classification: Likely pathogenic for Inborn genetic diseases. Last evaluated: 2024-07-31. Review status: criteria provided, single submitter. Criteria: Ambry Variant Classification Scheme 2023. Collection method: clinical testing. Allele origin: germline.
Comment: The c.5323T>C (p.C1775R) alteration is located in exon 31 (coding exon 31) of the CREBBP gene. This alteration results from a T to C substitution at nucleotide position 5323, causing the cysteine (C) at amino acid position 1775 to be replaced by an arginine (R). for Menke-Hennekam syndrome; however, its clinical significance for Rubinstein-Taybi syndrome is uncertain. This variant was not reported in population-based cohorts in the Genome Aggregation Database (gnomAD). This variant has been determined to be the result of a de novo mutation in an individual with features consistent with Menke-Hennekam syndrome (Haghshenas, 2024). This amino acid position is highly conserved in available vertebrate species. This alteration is predicted to be deleterious by in silico analysis. Based on the available evidence, this alteration is classified as likely pathogenic.

Clinical Genetics and Genomics, Karolinska University Hospital
Classification: Uncertain significance for Menke-Hennekam syndrome 1. Last evaluated: 2024-02-28. Review status: criteria provided, single submitter. Criteria: Strehlow et al. (Brain. 2019). Collection method: clinical testing. Allele origin: de novo. Inheritance: Autosomal dominant inheritance. Affected: yes.

GeneDx
Classification: Likely pathogenic. Last evaluated: 2018-08-06. Review status: criteria provided, single submitter. Criteria: GeneDx Variant Classification (06012015). Collection method: clinical testing. Allele origin: germline. Affected: yes.
Comment: The C1775R variant in the CREBBP gene has not been reported previously as a pathogenic variant, nor as a benign variant, to our knowledge. The C1775R variant is not observed in large population cohorts (Lek et al., 2016). The C1775R variant is a non-conservative amino acid substitution, which is likely to impact secondary protein structure as these residues differ in polarity, charge, size and/or other properties. In-silico analyses, including protein predictors and evolutionary conservation, support a deleterious effect. We interpret C1775R as a likely pathogenic variant.

Literature cited by the submitters: PubMed 38553851 (cited by Ambry Genetics).